The following is an entry in ClinVar:

ClinVar aggregate classification (germline): Pathogenic. Review status: criteria provided, multiple submitters, no conflicts (2 of 4 stars). 2 submissions from 2 submitters: Pathogenic (2). Last evaluated 2026-07-16.

Conditions:
Complex neurodevelopmental disorder. Identifiers: Orphanet 528084, MedGen C5568766, MONDO:0100038.
Seizures, benign familial infantile, 3 (BFIS3). Also called: CONVULSIONS, BENIGN FAMILIAL INFANTILE, 3; Familial neonatal seizures. Identifiers: Orphanet 140927, Orphanet 306, MedGen C1843140, MONDO:0011904, OMIM 607745.
Developmental and epileptic encephalopathy, 11 (DEE11). Also called: Early infantile epileptic encephalopathy 11. Identifiers: Orphanet 1934, MedGen C3150987, MONDO:0013388, OMIM 613721.

Submissions (2):

Victorian Clinical Genetics Services, Murdoch Childrens Research Institute
Classification: Pathogenic for Complex neurodevelopmental disorder. Last evaluated: 2026-07-16. Review status: criteria provided, single submitter. Criteria: ACMG Guidelines, 2015. Collection method: clinical testing. Allele origin: germline. Affected: yes.
Comment: This variant is classified as Pathogenic. Evidence in support of pathogenic classification: This variant is predicted to cause nonsense-mediated decay (NMD) and loss of protein (premature termination codon is located at least 54 nucleotides upstream of the final exon-exon junction); This variant is absent from gnomAD v4; This variant has limited previous evidence of pathogenicity in an unrelated individual. This variant has been classified as pathogenic by a clinical laboratory in ClinVar; Other variants comparable to the one identified in this case have very strong previous evidence for pathogenicity (DECIPHER). Additional information: This variant is heterozygous; This gene is associated with autosomal dominant disease; Loss of function and gain of function are known mechanisms of disease in this gene and are associated with complex neurodevelopmental disorder (MONDO:0100038), SCN2A-related and benign familial infantile seizures 3 (MIM#607745) (ClinGen CCID:006070); Variants in this gene are known to have variable expressivity (OMIM); Inheritance information for this variant is not currently available in this individual.

Labcorp Genetics (formerly Invitae), Labcorp
Classification: Pathogenic for Seizures, benign familial infantile, 3; Developmental and epileptic encephalopathy, 11. Last evaluated: 2024-10-15. Review status: criteria provided, single submitter. Criteria: Invitae Variant Classification Sherloc (09022015). Collection method: clinical testing. Allele origin: germline.
Comment: This sequence change creates a premature translational stop signal (p.Gln431*) in the SCN2A gene. It is expected to result in an absent or disrupted protein product. Loss-of-function variants in SCN2A are known to be pathogenic (PMID: 28379373). This variant is not present in population databases (gnomAD no frequency). This variant has not been reported in the literature in individuals affected with SCN2A-related conditions. ClinVar contains an entry for this variant (Variation ID: 1996825). For these reasons, this variant has been classified as Pathogenic.

Literature cited by the submitters: PubMed 28379373 (cited by Labcorp Genetics (formerly Invitae), Labcorp).

NM_001040142.2(SCN2A):c.1291C>T (p.Gln431Ter)

Gene: SCN2A (sodium voltage-gated channel alpha subunit 2; plus strand). Cytogenetic location: 2q24.3.
Variant type: single nucleotide variant.
Coding change: c.1291C>T on transcript NM_001040142.2 (MANE Select); coding-DNA position 1291, C replaced by T.
Protein change: p.Gln431Ter; replaces glutamine 431 with a stop codon.
Molecular consequence: nonsense.
Genome position (GRCh38, 1-based): chr2:165,314,016, C>T. VCF-style: chr2-165314016-C-T. GRCh37 (hg19) VCF-style: chr2-166170526-C-T.
Other names: c.1291C>T, p.Gln431Ter (NM_001040143.2, NM_001371246.1, NM_001371247.1 and 1 more transcripts); short protein forms Q431*.
Identifiers: ClinVar variation 1996825 (VCV001996825.5), dbSNP rs1553568995, ClinGen allele CA349022300.